The following is an entry in ClinVar:

ClinVar aggregate classification (germline): Likely pathogenic (1 of 4 stars; one submission).

Conditions:
Spermatogenic failure 14 (SPGF14). Identifiers: MedGen C4014454, MONDO:0014366, OMIM 615842.

Submission:

First Genomix Gene Laboratory, Genetic Diagnostics Department
Classification: Likely pathogenic for Spermatogenic failure 14. Last evaluated: 2025-05-08. Review status: criteria provided, single submitter. Criteria: ACMG Guidelines, 2015. Collection method: clinical testing. Allele origin: germline. Inheritance: Autosomal recessive inheritance. Affected: no. Observed: 1 variant allele.

NM_001136046.3(ZMYND15):c.1018del (p.Ala340fs)

Gene: ZMYND15 (zinc finger MYND-type containing 15; plus strand). Cytogenetic location: 17p13.2.
Variant type: Deletion.
Coding change: c.1018del on transcript NM_001136046.3 (MANE Select); coding-DNA position 1018, one base deleted (G; older notation c.1018delG).
Protein change: p.Ala340fs; shifts the reading frame from alanine 340.
Molecular consequence: frameshift variant.
Genome position (GRCh38, 1-based): chr17:4,742,365, G deleted; the last of 2 consecutive G bases (chr17:4,742,364-4,742,365); deleting either gives the same sequence. VCF-style (leftmost placement, unchanged base first): chr17-4742363-AG-A. GRCh37 (hg19) VCF-style: chr17-4645658-AG-A.
Other names: c.1018delG (NM_001136046.3); c.1018del, p.Ala340fs (NM_001267822.1, NM_032265.2); short protein forms A340fs.
Identifiers: ClinVar variation 4845931 (VCV004845931.1).
Genomic context (GRCh38, chr17:4,742,363, plus strand): 5'-AGGTGCCCACCACCCGCTGTGTCCCCAGCCCCCAGTGTAGTGCTGTCTTGTATTGTGGAG[AG>A]GCTTGTCTCCGGGCTGACTGGCAGCGGTGCCCAGATGATGTGAGTCACCGATTTTGGTGC-3'